The following is an entry in ClinVar:

ClinVar aggregate classification (germline): Uncertain significance. Review status: criteria provided, single submitter (1 of 4 stars). 2 submissions from 2 submitters: Uncertain significance (1). 1 of the submissions does not count toward it. Last evaluated 2024-05-28.

Conditions:
PODXL-related disorder. Also called: PODXL-related condition.

Submissions (2):

Labcorp Genetics (formerly Invitae), Labcorp
Classification: Uncertain significance. Last evaluated: 2024-05-28. Review status: criteria provided, single submitter. Criteria: Invitae Variant Classification Sherloc (09022015). Collection method: clinical testing. Allele origin: germline.
Comment: This variant, c.70_84del, results in the deletion of 5 amino acid(s) of the PODXL protein (p.Pro24_Pro28del), but otherwise preserves the integrity of the reading frame. The frequency data for this variant in the population databases is considered unreliable, as metrics indicate poor data quality at this position in the gnomAD database. This variant has not been reported in the literature in individuals affected with PODXL-related conditions. In summary, the available evidence is currently insufficient to determine the role of this variant in disease. Therefore, it has been classified as a Variant of Uncertain Significance.

PreventionGenetics, part of Exact Sciences
Classification: Likely benign for PODXL-related condition. Last evaluated: 2023-10-12. Review status: no assertion criteria provided. Collection method: clinical testing. Allele origin: germline. Not counted in ClinVar's aggregate classification.
Comment: This variant is classified as likely benign based on ACMG/AMP sequence variant interpretation guidelines (Richards et al. 2015 PMID: 25741868, with internal and published modifications).

NM_001018111.3(PODXL):c.70_84del (p.Pro24_Pro28del)

Genes: PODXL (podocalyxin like; minus strand), LOC129999375 (ATAC-STARR-seq lymphoblastoid silent region 18663; plus strand). Cytogenetic location: 7q32.3.
Variant type: Deletion.
Coding change: c.70_84del on transcript NM_001018111.3 (MANE Select); coding-DNA positions 70 to 84, 15 bases deleted (CCGTCGCCGTCGCCG).
Protein change: p.Pro24_Pro28del.
Molecular consequence: inframe deletion.
Genome position (GRCh38, 1-based): chr7:131,556,276-131,556,290, CGGCGACGGCGACGG deleted on the plus strand (CCGTCGCCGTCGCCG on the coding strand, the reverse complement: PODXL is on the minus strand); deleting any 15 consecutive bases within chr7:131,556,276-131,556,292 gives the same sequence; the c. name uses the placement nearest the transcript's 3' end. VCF-style (leftmost placement, unchanged base first): chr7-131556275-ACGGCGACGGCGACGG-A. GRCh37 (hg19) VCF-style: chr7-131241034-ACGGCGACGGCGACGG-A.
Other names: c.70_84del15 (NM_005397.3); c.70_84del, p.Pro24_Pro28del (NM_005397.4).
Identifiers: ClinVar variation 2713292 (VCV002713292.5), dbSNP rs750404956, ClinGen allele CA4488793.